The following is an entry in ClinVar:

NM_000334.4(SCN4A):c.2020-5G>A

Genes: GH-LCR (growth hormone locus control region; plus strand), SCN4A (sodium voltage-gated channel alpha subunit 4; minus strand). Cytogenetic location: 17q23.3.
Variant type: single nucleotide variant.
Coding change: c.2020-5G>A on transcript NM_000334.4 (MANE Select); 5 bases into the intron before coding-DNA position 2020, G replaced by A.
Molecular consequence: intron variant.
Genome position (GRCh38, 1-based): chr17:63,957,523, C>T on the plus strand (G>A on the coding strand, the complement: SCN4A is on the minus strand). VCF-style: chr17-63957523-C-T. GRCh37 (hg19) VCF-style: chr17-62034883-C-T.
Identifiers: ClinVar variation 5005792 (VCV005005792.2).

ClinVar aggregate classification (germline): Uncertain significance (1 of 4 stars; one submission).

Conditions:
Paramyotonia congenita of Von Eulenburg. Also called: Paramyotonia Congenita; Eulenburg disease; Myotonia congenita intermittens; PARALYSIS PERIODICA PARAMYOTONICA; Von Eulenburg paramyotonia congenita. Identifiers: Orphanet 684, MedGen C0221055, MONDO:0008195, OMIM 168300. Disease mechanism: loss of function.
Congenital myopathy 22A, classic (CMYO22A). Identifiers: MedGen C5830453, MONDO:0957247, OMIM 620351.
Hypokalemic periodic paralysis, type 2 (HOKPP2). Identifiers: Orphanet 681, MedGen C2750061, MONDO:0013234, OMIM 613345.
Congenital myopathy 22B, severe fetal (CMYO22B). Identifiers: MedGen C5830501, MONDO:0957265, OMIM 620369.
Hyperkalemic periodic paralysis. Also called: Familial hyperkalemic periodic paralysis; Gamstorp disease. Identifiers: Orphanet 682, MedGen C0238357, MONDO:0008224, OMIM 170500, HP:0007215.
Potassium-aggravated myotonia. Also called: Myotonia congenita, atypical, acetazolamide-responsive; MYOTONIA CONGENITA, ACETAZOLAMIDE-RESPONSIVE; MYOTONIA CONGENITA, ATYPICAL; SODIUM CHANNEL MUSCLE DISEASE. Identifiers: Orphanet 612, Orphanet 99734, Orphanet 99735, Orphanet 99736, MedGen C2931826, MONDO:0018959, OMIM 608390.
Congenital myasthenic syndrome 16. Identifiers: Orphanet 590, MedGen C3280112, MONDO:0013620, OMIM 614198.

Submission:

Juno Genomics, Hangzhou Juno Genomics, Inc
Classification: Uncertain significance for Congenital myopathy 22A, classic; Congenital myopathy 22B, severe fetal; Hyperkalemic periodic paralysis; Hypokalemic periodic paralysis, type 2; Congenital myasthenic syndrome 16; Potassium-aggravated myotonia; Paramyotonia congenita of Von Eulenburg. Review status: criteria provided, single submitter. Criteria: ACMG Guidelines, 2015. Collection method: clinical testing. Allele origin: germline.
Comment: Absent from controls (or at extremely low frequency if recessive) in Genome Aggregation Database.;Multiple lines of computational evidence support a deleterious effect on the gene or gene product.